The following is an entry in ClinVar:

NM_001101.5(ACTB):c.559_562del (p.Asp187fs)

Gene: ACTB (actin beta; minus strand). Cytogenetic location: 7p22.1.
Variant type: Microsatellite.
Coding change: c.559_562del on transcript NM_001101.5 (MANE Select); coding-DNA positions 559 to 562, 4 bases deleted (GACT; older notation c.559_562delGACT).
Protein change: p.Asp187fs; shifts the reading frame from aspartic acid 187.
Molecular consequence: frameshift variant.
Genome position (GRCh38, 1-based): chr7:5,528,521-5,528,524, AGTC deleted on the plus strand (GACT on the coding strand, the reverse complement: ACTB is on the minus strand); deleting any 4 consecutive bases within chr7:5,528,521-5,528,530 gives the same sequence; the c. name uses the placement nearest the transcript's 3' end. VCF-style (leftmost placement, unchanged base first): chr7-5528520-TAGTC-T. GRCh37 (hg19) VCF-style: chr7-5568151-TAGTC-T.
Other names: c.559_562delGACT (NM_001101.3); short protein forms D187fs.
Identifiers: ClinVar variation 279937 (VCV000279937.6), dbSNP rs886041265, ClinGen allele CA10603055.

ClinVar aggregate classification (germline): Conflicting classifications of pathogenicity. Review status: criteria provided, conflicting classifications (1 of 4 stars). 2 submissions from 2 submitters: Likely pathogenic (1); Uncertain significance (1). Last evaluated 2026-02-06.

Conditions:
Baraitser-Winter syndrome 1 (BRWS1). Also called: MENTAL RETARDATION WITH EPILEPSY AND CHARACTERISTIC FACIES; PACHYGYRIA, MENTAL RETARDATION, EPILEPSY, AND CHARACTERISTIC FACIES; Cerebrofrontofacial syndrome; BARAITSER-WINTER SYNDROME 1, ATYPICAL. Identifiers: Orphanet 2649, Orphanet 2995, MedGen C1855722, MONDO:0009470, OMIM 243310.

Submissions (2):

GeneDx
Classification: Likely pathogenic. Last evaluated: 2026-02-06. Review status: criteria provided, single submitter. Criteria: GeneDx Variant Classification Process June 2021. Collection method: clinical testing. Allele origin: germline. Affected: yes.
Comment: Has not been previously published as pathogenic or benign to our knowledge; Not observed at significant frequency in large population cohorts (gnomAD); Frameshift variant predicted to result in protein truncation or nonsense mediated decay in a gene or region of a gene for which loss of function is not a well-established mechanism of disease

Labcorp Genetics (formerly Invitae), Labcorp
Classification: Uncertain significance for Baraitser-Winter syndrome 1. Last evaluated: 2026-01-12. Review status: criteria provided, single submitter. Criteria: Invitae Variant Classification Sherloc (09022015). Collection method: clinical testing. Allele origin: germline.
Comment: This sequence change creates a premature translational stop signal (p.Asp187Thrfs*3) in the ACTB gene. It is expected to result in an absent or disrupted protein product. However, the current clinical and genetic evidence is not sufficient to establish whether loss-of-function variants in ACTB cause disease. This variant is not present in population databases (gnomAD no frequency). This variant has not been reported in the literature in individuals affected with ACTB-related conditions. ClinVar contains an entry for this variant (Variation ID: 279937). In summary, the available evidence is currently insufficient to determine the role of this variant in disease. Therefore, it has been classified as a Variant of Uncertain Significance.